The following is an entry in ClinVar:

ClinVar aggregate classification (germline): Uncertain significance (0 of 4 stars; one submission).

Conditions:
TENM1-related disorder. Also called: TENM1-related condition.

Submissions (2):

PreventionGenetics, part of Exact Sciences
Classification: Uncertain significance for TENM1-related condition. Last evaluated: 2024-09-20. Review status: no assertion criteria provided. Collection method: clinical testing. Allele origin: germline.
Comment: The TENM1 c.2559G>T variant is predicted to result in the amino acid substitution p.Gln853His. To our knowledge, this variant has not been reported in the literature or in a large population database, indicating this variant is rare. At this time, the clinical significance of this variant is uncertain due to the absence of conclusive functional and genetic evidence.

Dr. Peter K. Rogan Lab, Western University
No classification provided (evidence only). Condition: Thyroid cancer, nonmedullary, 1. Review status: no classification provided. Collection method: in vitro. Allele origin: not applicable. Functional consequence: retained intron. Not counted in ClinVar's aggregate classification.

NM_001163278.2(TENM1):c.2559G>T (p.Gln853His)

Gene: TENM1 (teneurin transmembrane protein 1; minus strand). Cytogenetic location: Xq25.
Variant type: single nucleotide variant.
Coding change: c.2559G>T on transcript NM_001163278.2 (MANE Select); coding-DNA position 2559, G replaced by T.
Protein change: p.Gln853His; replaces glutamine 853 with histidine.
Molecular consequence: missense variant.
Genome position (GRCh38, 1-based): chrX:124,546,966, C>A on the plus strand (G>T on the coding strand, the complement: TENM1 is on the minus strand). VCF-style: chrX-124546966-C-A. GRCh37 (hg19) VCF-style: chrX-123680816-C-A.
Other names: NC_000023.10:g.123680816C>A; c.2556G>T, p.Gln852His (NM_001163279.1); c.2559G>T, p.Gln853His (NM_014253.3); short protein forms Q852H, Q853H.
Identifiers: ClinVar variation 3350860 (VCV003350860.2).